The following is an entry in ClinVar:

NM_148960.3(CLDN19):c.619G>A (p.Ala207Thr)

Gene: CLDN19 (claudin 19; minus strand). Cytogenetic location: 1p34.2.
Variant type: single nucleotide variant.
Coding change: c.619G>A on transcript NM_148960.3 (MANE Select); coding-DNA position 619, G replaced by A.
Protein change: p.Ala207Thr; replaces alanine 207 with threonine.
Molecular consequence: missense variant. On other transcripts: synonymous variant (1).
Genome position (GRCh38, 1-based): chr1:42,735,885, C>T on the plus strand (G>A on the coding strand, the complement: CLDN19 is on the minus strand). VCF-style: chr1-42735885-C-T. GRCh37 (hg19) VCF-style: chr1-43201556-C-T.
Other names: c.619G>A, p.Ala207Thr (NM_001123395.2); c.534G>A, p.Leu178= (NM_001185117.2); short protein forms A207T.
Identifiers: ClinVar variation 1899898 (VCV001899898.5), dbSNP rs1412877618, ClinGen allele CA339942321.

ClinVar aggregate classification (germline): Uncertain significance (1 of 4 stars; one submission).

Submission:

Labcorp Genetics (formerly Invitae), Labcorp
Classification: Uncertain significance. Last evaluated: 2022-06-03. Review status: criteria provided, single submitter. Criteria: Invitae Variant Classification Sherloc (09022015). Collection method: clinical testing. Allele origin: germline.
Comment: This sequence change replaces alanine, which is neutral and non-polar, with threonine, which is neutral and polar, at codon 207 of the CLDN19 protein (p.Ala207Thr). This variant is not present in population databases (gnomAD no frequency). In summary, the available evidence is currently insufficient to determine the role of this variant in disease. Therefore, it has been classified as a Variant of Uncertain Significance. Algorithms developed to predict the effect of missense changes on protein structure and function (SIFT, PolyPhen-2, Align-GVGD) all suggest that this variant is likely to be tolerated. This variant has not been reported in the literature in individuals affected with CLDN19-related conditions.